The following is an entry in ClinVar:

NM_001363540.2(DOCK4):c.2920G>C (p.Val974Leu)

Gene: DOCK4 (dedicator of cytokinesis 4; minus strand). Cytogenetic location: 7q31.1.
Variant type: single nucleotide variant.
Coding change: c.2920G>C on transcript NM_001363540.2 (MANE Select); coding-DNA position 2920, G replaced by C.
Protein change: p.Val974Leu; replaces valine 974 with leucine.
Molecular consequence: missense variant.
Genome position (GRCh38, 1-based): chr7:111,822,372, C>G on the plus strand (G>C on the coding strand, the complement: DOCK4 is on the minus strand). VCF-style: chr7-111822372-C-G. GRCh37 (hg19) VCF-style: chr7-111462428-C-G.
Other names: c.2920G>C, p.Val974Leu (NM_014705.4); short protein forms V974L.
Identifiers: ClinVar variation 4085269 (VCV004085269.8).

ClinVar aggregate classification (germline): Uncertain significance (1 of 4 stars; one submission).

Submission:

CeGaT Center for Human Genetics Tuebingen
Classification: Uncertain significance. Last evaluated: 2025-07-01. Review status: criteria provided, single submitter. Criteria: CeGaT Center For Human Genetics Tuebingen Variant Classification Criteria Version 2. Collection method: clinical testing. Allele origin: germline. Affected: yes. Observed: 1 variant allele.
Comment: DOCK4: PM2